The following is an entry in ClinVar:

NM_001130438.3(SPTAN1):c.5724C>T (p.Ala1908=)

Gene: SPTAN1 (spectrin alpha, non-erythrocytic 1; plus strand). Cytogenetic location: 9q34.11.
Variant type: single nucleotide variant.
Coding change: c.5724C>T on transcript NM_001130438.3 (MANE Select); coding-DNA position 5724, C replaced by T.
Protein change: p.Ala1908=; no amino-acid change (alanine 1908 retained).
Molecular consequence: synonymous variant.
Genome position (GRCh38, 1-based): chr9:128,618,994, C>T. VCF-style: chr9-128618994-C-T. GRCh37 (hg19) VCF-style: chr9-131381273-C-T.
Other names: c.5649C>T, p.Ala1883= (NM_001195532.2); c.5724C>T, p.Ala1908= (NM_001363759.2); c.5664C>T, p.Ala1888= (NM_001363765.2); c.5709C>T, p.Ala1903= (NM_003127.4).
Identifiers: ClinVar variation 365173 (VCV000365173.10), dbSNP rs886063507, ClinGen allele CA10626530.

ClinVar aggregate classification (germline): Likely benign. Review status: criteria provided, multiple submitters, no conflicts (2 of 4 stars). 2 submissions from 2 submitters: Likely benign (2). Last evaluated 2025-04-09.

Conditions:
Early-infantile DEE. Also called: Early infantile epileptic encephalopathy; Ohtahara syndrome; Early infantile epileptic encephalopathy with suppression bursts. Identifiers: Orphanet 1934, MedGen C0393706, MONDO:0800491.

Allele frequency attached by ClinVar (database versions not stated): gnomAD exomes 0.00001 and 0.00005; gnomAD 0.00002; TOPMed 0.00003.
gnomAD v4.1: 71 of 1,613,684 alleles (0.0044%); highest among the groups gnomAD compares: Non-Finnish European, 0.0056%; no homozygotes.

Submissions (2):

Labcorp Genetics (formerly Invitae), Labcorp
Classification: Likely benign for Early-infantile DEE. Last evaluated: 2025-04-09. Review status: criteria provided, single submitter. Criteria: Invitae Variant Classification Sherloc (09022015). Collection method: clinical testing. Allele origin: germline.

GeneDx
Classification: Likely benign. Last evaluated: 2016-02-03. Review status: criteria provided, single submitter. Criteria: GeneDx Variant Classification (06012015). Collection method: clinical testing. Allele origin: germline. Affected: yes.
Comment: This variant is considered likely benign or benign based on one or more of the following criteria: it is a conservative change, it occurs at a poorly conserved position in the protein, it is predicted to be benign by multiple in silico algorithms, and/or has population frequency not consistent with disease.